The following is an entry in ClinVar:

NM_001013703.4(EIF2AK4):c.4007A>G (p.Lys1336Arg)

Gene: EIF2AK4 (eukaryotic translation initiation factor 2 alpha kinase 4; plus strand). Cytogenetic location: 15q15.1.
Variant type: single nucleotide variant.
Coding change: c.4007A>G on transcript NM_001013703.4 (MANE Select); coding-DNA position 4007, A replaced by G.
Protein change: p.Lys1336Arg; replaces lysine 1336 with arginine.
Molecular consequence: missense variant.
Genome position (GRCh38, 1-based): chr15:40,017,184, A>G. VCF-style: chr15-40017184-A-G. GRCh37 (hg19) VCF-style: chr15-40309385-A-G.
Other names: short protein forms K1336R.
Identifiers: ClinVar variation 618620 (VCV000618620.24), dbSNP rs35480871, ClinGen allele CA7474491.

ClinVar aggregate classification (germline): Benign/Likely benign. Review status: criteria provided, multiple submitters, no conflicts (2 of 4 stars). 4 submissions from 4 submitters: Benign (1); Likely benign (2). 1 of the submissions does not count toward it. Last evaluated 2025-10-25.

Conditions:
Familial pulmonary capillary hemangiomatosis (PVOD2). Also called: Pulmonary venoocclusive disease 2; Pulmonary venoocclusive disease 2, autosomal recessive. Identifiers: Orphanet 199241, MedGen C0340848, MONDO:0009329, OMIM 234810.
EIF2AK4-related disorder. Also called: EIF2AK4-related condition.

Allele frequency attached by ClinVar (database versions not stated): gnomAD exomes 0.00044 and 0.00125; ExAC 0.00163; 1000 Genomes Project 0.00479; gnomAD 0.00482 and 0.00518; 1000 Genomes Project 30x 0.00500; ESP Exome Variant Server 0.00542; TOPMed 0.00546.
gnomAD v4.1: 1,406 of 1,614,014 alleles (0.087%); highest among the groups gnomAD compares: African/African-American, 1.7%; 13 homozygotes.

Submissions (5):

Labcorp Genetics (formerly Invitae), Labcorp
Classification: Benign. Last evaluated: 2025-10-25. Review status: criteria provided, single submitter. Criteria: Invitae Variant Classification Sherloc (09022015). Collection method: clinical testing. Allele origin: germline.

ARUP Laboratories, Molecular Genetics and Genomics, ARUP Laboratories
Classification: Likely benign for Familial pulmonary capillary hemangiomatosis. Last evaluated: 2024-04-19. Review status: criteria provided, single submitter. Criteria: ARUP Molecular Germline Variant Investigation Process 2024. Collection method: clinical testing. Allele origin: germline.

GeneDx
Classification: Likely benign. Last evaluated: 2023-11-09. Review status: criteria provided, single submitter. Criteria: GeneDx Variant Classification Process June 2021. Collection method: clinical testing. Allele origin: germline. Affected: yes.
Comment: See Variant Classification Assertion Criteria.

PreventionGenetics, part of Exact Sciences
Classification: Benign for EIF2AK4-related condition. Last evaluated: 2019-05-13. Review status: no assertion criteria provided. Collection method: clinical testing. Allele origin: germline. Not counted in ClinVar's aggregate classification.
Comment: This variant is classified as benign based on ACMG/AMP sequence variant interpretation guidelines (Richards et al. 2015 PMID: 25741868, with internal and published modifications).

Dr. Peter K. Rogan Lab, Western University
No classification provided (evidence only). Condition: Thyroid cancer, nonmedullary, 1. Review status: no classification provided. Collection method: in vitro. Allele origin: not applicable. Functional consequence: retained intron. Not counted in ClinVar's aggregate classification.